The following is an entry in ClinVar:

ClinVar aggregate classification (germline): Likely benign (1 of 4 stars; one submission).

Conditions:
Familial cancer of breast. Also called: BREAST CANCER, FAMILIAL; Hereditary breast cancer; hereditary breast carcinoma. Identifiers: Orphanet 227535, MedGen C0346153, MONDO:0016419, OMIM 114480. Disease mechanism: loss of function.

Submission:

Myriad Genetics, Inc.
Classification: Likely benign for Familial cancer of breast. Last evaluated: 2024-05-17. Review status: criteria provided, single submitter. Criteria: Myriad Autosomal Dominant, Autosomal Recessive and X-Linked Classification Criteria (2023). Collection method: clinical testing. Allele origin: unknown.
Comment: This variant is considered likely benign. This variant is intronic and is not expected to impact mRNA splicing.

NM_000051.4(ATM):c.4237-4del

Gene: ATM (ATM serine/threonine kinase; plus strand). Cytogenetic location: 11q22.3.
Variant type: Deletion.
Coding change: c.4237-4del on transcript NM_000051.4 (MANE Select); 4 bases into the intron before coding-DNA position 4237, one base deleted (C; older notation c.4237-4delC).
Molecular consequence: intron variant.
Genome position (GRCh38, 1-based): chr11:108,289,598, C deleted. VCF-style (leftmost placement, unchanged base first): chr11-108289597-TC-T. GRCh37 (hg19) VCF-style: chr11-108160324-TC-T.
Other names: c.4237-4del (NM_001351834.2).
Identifiers: ClinVar variation 3253821 (VCV003253821.1), dbSNP rs2546908292.